The following is an entry in ClinVar:

ClinVar aggregate classification (germline): Likely benign. Review status: criteria provided, multiple submitters, no conflicts (2 of 4 stars). 2 submissions from 2 submitters: Likely benign (2). Last evaluated 2025-12-13.

Conditions:
Shprintzen-Goldberg syndrome (SGS). Also called: SHPRINTZEN-GOLDBERG CRANIOSYNOSTOSIS SYNDROME; CRANIOSYNOSTOSIS WITH ARACHNODACTYLY AND ABDOMINAL HERNIAS; Marfanoid disorder with craniosynostosis type 1; Marfanoid craniosynostosis syndrome; Shprintzen-Goldberg marfanoid syndrome. Identifiers: Orphanet 2462, MedGen C1321551, MONDO:0008426, OMIM 182212.

Allele frequency attached by ClinVar (database versions not stated): gnomAD exomes below 0.00001.
gnomAD v4.1: 6 of 1,611,214 alleles (0.00037%); highest among the groups gnomAD compares: Non-Finnish European, 0.00042%; no homozygotes.

Submissions (2):

Labcorp Genetics (formerly Invitae), Labcorp
Classification: Likely benign for Shprintzen-Goldberg syndrome. Last evaluated: 2025-12-13. Review status: criteria provided, single submitter. Criteria: Invitae Variant Classification Sherloc (09022015). Collection method: clinical testing. Allele origin: germline.

GeneDx
Classification: Likely benign. Last evaluated: 2015-12-02. Review status: criteria provided, single submitter. Criteria: GeneDx Variant Classification (06012015). Collection method: clinical testing. Allele origin: germline. Affected: yes.
Comment: This variant is considered likely benign or benign based on one or more of the following criteria: it is a conservative change, it occurs at a poorly conserved position in the protein, it is predicted to be benign by multiple in silico algorithms, and/or has population frequency not consistent with disease.

NM_003036.4(SKI):c.768G>A (p.Pro256=)

Gene: SKI (SKI proto-oncogene; plus strand). Cytogenetic location: 1p36.33.
Variant type: single nucleotide variant.
Coding change: c.768G>A on transcript NM_003036.4 (MANE Select); coding-DNA position 768, G replaced by A.
Protein change: p.Pro256=; no amino-acid change (proline 256 retained).
Molecular consequence: synonymous variant.
Genome position (GRCh38, 1-based): chr1:2,229,534, G>A. VCF-style: chr1-2229534-G-A. GRCh37 (hg19) VCF-style: chr1-2160973-G-A.
Identifiers: ClinVar variation 381998 (VCV000381998.5), dbSNP rs1057521232, ClinGen allele CA16603552.
Genomic context (GRCh38, chr1:2,229,534, plus strand): 5'-CTACAGCAGCCCGAGCGCCGCCTGCATCCAGTGCCTGGACTGCCGCCTCATGTACCCGCC[G>A]CACAAGTTCGTGGTGCACTCGCACAAGGCCCTGGAGAACCGGACCTGCCACTGGGGCTTC-3'
Protein context (NP_003027.1, residues 246-266): QCLDCRLMYP[Pro256=]HKFVVHSHKA